The following is an entry in ClinVar:

NM_000199.5(SGSH):c.1296C>G (p.Tyr432Ter)

Gene: SGSH (N-sulfoglucosamine sulfohydrolase; minus strand). Cytogenetic location: 17q25.3.
Variant type: single nucleotide variant.
Coding change: c.1296C>G on transcript NM_000199.5 (MANE Select); coding-DNA position 1296, C replaced by G.
Protein change: p.Tyr432Ter; replaces tyrosine 432 with a stop codon.
Molecular consequence: nonsense. On other transcripts: 3 prime UTR variant (2), non-coding transcript variant (1).
Genome position (GRCh38, 1-based): chr17:80,210,665, G>C on the plus strand (C>G on the coding strand, the complement: SGSH is on the minus strand). VCF-style: chr17-80210665-G-C. GRCh37 (hg19) VCF-style: chr17-78184464-G-C.
Other names: c.*383C>G (NM_001352921.3); c.*346C>G (NM_001352922.2); short protein forms Y432*.
Identifiers: ClinVar variation 5004253 (VCV005004253.1).

ClinVar aggregate classification (germline): Pathogenic (1 of 4 stars; one submission).

Conditions:
Mucopolysaccharidosis, MPS-III-A (MPS3A). Also called: HEPARAN SULFATE SULFATASE DEFICIENCY; MUCOPOLYSACCHARIDOSIS, TYPE IIIA, ATTENUATED; SANFILIPPO SYNDROME A; MPS III A; Mucopolysaccharidosis type IIIA (Sanfilippo A); Mucopolysaccharidosis, type IIIA. Identifiers: Orphanet 581, Orphanet 79269, MedGen C0086647, MONDO:0009655, OMIM 252900.

Submission:

Myriad Genetics, Inc.
Classification: Pathogenic for Mucopolysaccharidosis, MPS-III-A. Last evaluated: 2025-10-28. Review status: criteria provided, single submitter. Criteria: Myriad Autosomal Dominant, Autosomal Recessive and X-Linked Classification Criteria (2023). Collection method: clinical testing. Allele origin: unknown.
Comment: NM_000199.3(SGSH):c.1296C>G(Y432*) is a nonsense variant classified as pathogenic in the context of mucopolysaccharidosis type IIIA. Y432* has not been observed in cases with relevant disease. Relevant functional assessments of this variant are not available in the literature. Y432* has not been observed in referenced population frequency databases. In summary, NM_000199.3(SGSH):c.1296C>G(Y432*) is a nonsense variant in a gene where loss of function is a known mechanism of disease and is predicted to disrupt protein function. Please note: this variant was assessed in the context of healthy population screening.